The following is an entry in ClinVar:

NM_001844.5(COL2A1):c.654+15T>G

Gene: COL2A1 (collagen type II alpha 1 chain; minus strand). Cytogenetic location: 12q13.11.
Variant type: single nucleotide variant.
Coding change: c.654+15T>G on transcript NM_001844.5 (MANE Select); 15 bases into the intron after coding-DNA position 654, T replaced by G.
Molecular consequence: intron variant.
Genome position (GRCh38, 1-based): chr12:47,995,860, A>C on the plus strand (T>G on the coding strand, the complement: COL2A1 is on the minus strand). VCF-style: chr12-47995860-A-C. GRCh37 (hg19) VCF-style: chr12-48389643-A-C.
Other names: p.?; c.447+15T>G (NM_033150.3).
Identifiers: ClinVar variation 258243 (VCV000258243.25), dbSNP rs1034762, ClinGen allele CA6535860.
Genomic context (GRCh38, chr12:47,995,860, plus strand): 5'-TAAACTGCTAAAACATCATAGTGCTTGGGAATCATCTGCGACACGATGGAGGCAAAAAGA[A>C]TTGCAGATACTTACAGGAGCACCTGCAGGGCCTGGAGGTCCTCGAGGTCCCATGGGGCCC-3'

ClinVar aggregate classification (germline): Benign. Review status: criteria provided, multiple submitters, no conflicts (2 of 4 stars). 13 submissions from 12 submitters: Benign (9). 4 of the submissions do not count toward it. Last evaluated 2026-05-08.

Conditions:
Type 2 collagenopathy. Identifiers: Orphanet 93421, MedGen C2931073, MONDO:0022800.
Stickler syndrome type 1 (STL1). Also called: STICKLER SYNDROME, MEMBRANOUS VITREOUS TYPE; STICKLER SYNDROME, VITREOUS TYPE 1; ARTHROOPHTHALMOPATHY, HEREDITARY PROGRESSIVE; COL2A1-Related Stickler Syndrome. Identifiers: Orphanet 828, Orphanet 90653, MedGen C2020284, MONDO:0007160, OMIM 108300.

Allele frequency attached by ClinVar (database versions not stated): 1000 Genomes Project 0.68271; 1000 Genomes Project 30x 0.68723; gnomAD exomes 0.73807 and 0.81390; ExAC 0.74893; TOPMed 0.77528; gnomAD 0.78512 and 0.79333; ESP Exome Variant Server 0.82085.
gnomAD v4.1: 1,305,946 of 1,611,240 alleles (81%); highest among the groups gnomAD compares: Non-Finnish European, 85%; 536,402 homozygotes.

Submissions (13):

Women's Health and Genetics/Laboratory Corporation of America, LabCorp
Classification: Benign. Last evaluated: 2026-05-08. Review status: criteria provided, single submitter. Criteria: LabCorp Variant Classification Summary - May 2015. Collection method: clinical testing. Allele origin: germline.

Labcorp Genetics (formerly Invitae), Labcorp
Classification: Benign. Last evaluated: 2026-02-04. Review status: criteria provided, single submitter. Criteria: Invitae Variant Classification Sherloc (09022015). Collection method: clinical testing. Allele origin: germline.

Blueprint Genetics
Classification: Benign. Last evaluated: 2024-11-27. Review status: criteria provided, single submitter. Criteria: ACMG Guidelines, 2015. Collection method: clinical testing. Allele origin: germline.

Mayo Clinic Laboratories, Mayo Clinic
Classification: Benign. Last evaluated: 2021-04-07. Review status: criteria provided, single submitter. Criteria: ACMG Guidelines, 2015. Collection method: clinical testing. Allele origin: germline. Observed: 2 variant alleles.

Illumina Laboratory Services, Illumina
Classification: Benign for Stickler syndrome type 1. Last evaluated: 2018-01-12. Review status: criteria provided, single submitter. Criteria: ICSL Variant Classification Criteria 13 December 2019. Collection method: clinical testing. Allele origin: germline.
Comment: This variant was observed in the ICSL laboratory as part of a predisposition screen in an ostensibly healthy population. It had not been previously curated by ICSL or reported in the Human Gene Mutation Database (HGMD: prior to June 1st, 2018), and was therefore a candidate for classification through an automated scoring system. Utilizing variant allele frequency, disease prevalence and penetrance estimates, and inheritance mode, an automated score was calculated to assess if this variant is too frequent to cause the disease. Based on the score and internal cut-off values, a variant classified as benign is not then subjected to further curation. The score for this variant resulted in a classification of benign for this disease.

Illumina Laboratory Services, Illumina
Classification: Benign for Type II Collagenopathies. Last evaluated: 2018-01-12. Review status: criteria provided, single submitter. Criteria: ICSL Variant Classification Criteria 13 December 2019. Collection method: clinical testing. Allele origin: germline.
Comment: the same text as in the submission from Illumina Laboratory Services, Illumina above.

GeneDx
Classification: Benign. Last evaluated: 2016-03-03. Review status: criteria provided, single submitter. Criteria: GeneDx Variant Classification (06012015). Collection method: clinical testing. Allele origin: germline. Affected: yes.
Comment: This variant is considered likely benign or benign based on one or more of the following criteria: it is a conservative change, it occurs at a poorly conserved position in the protein, it is predicted to be benign by multiple in silico algorithms, and/or has population frequency not consistent with disease.

Breakthrough Genomics
Classification: Benign. Review status: criteria provided, single submitter. Criteria: ACMG Guidelines, 2015. Collection method: not provided. Allele origin: germline. Inheritance: Autosomal dominant inheritance. Affected: yes.

PreventionGenetics, part of Exact Sciences
Classification: Benign. Review status: criteria provided, single submitter. Criteria: ACMG Guidelines, 2015. Collection method: clinical testing. Allele origin: germline.

Clinical Genetics DNA and cytogenetics Diagnostics Lab, Erasmus MC, Erasmus Medical Center
Classification: Benign. Review status: no assertion criteria provided. Collection method: clinical testing. Allele origin: germline. Affected: yes. Study: VKGL Data-share Consensus. Not counted in ClinVar's aggregate classification.

Diagnostic Laboratory, Department of Genetics, University Medical Center Groningen
Classification: Benign. Review status: no assertion criteria provided. Collection method: clinical testing. Allele origin: germline. Affected: yes. Study: VKGL Data-share Consensus. Not counted in ClinVar's aggregate classification.

Genome Diagnostics Laboratory, Amsterdam University Medical Center
Classification: Benign. Review status: no assertion criteria provided. Collection method: clinical testing. Allele origin: germline. Affected: yes. Study: VKGL Data-share Consensus. Not counted in ClinVar's aggregate classification.

Joint Genome Diagnostic Labs from Nijmegen and Maastricht, Radboudumc and MUMC+
Classification: Benign. Review status: no assertion criteria provided. Collection method: clinical testing. Allele origin: germline. Affected: yes. Study: VKGL Data-share Consensus. Not counted in ClinVar's aggregate classification.